The following is an entry in ClinVar:

ClinVar aggregate classification (germline): Likely benign (1 of 4 stars; one submission).

Conditions:
Intellectual developmental disorder, autosomal dominant 43. Also called: Intellectual disability, autosomal dominant 43. Identifiers: MedGen C4707429, MONDO:0014858, OMIM 616977.

Allele frequency attached by ClinVar (database versions not stated): gnomAD 0.00007 and 0.00009; gnomAD exomes 0.00010 and 0.00007; TOPMed 0.00008; ExAC 0.00005; ESP Exome Variant Server 0.00008.
gnomAD v4.1: 152 of 1,614,042 alleles (0.0094%); highest among the groups gnomAD compares: Non-Finnish European, 0.012%; no homozygotes.

Submission:

Labcorp Genetics (formerly Invitae), Labcorp
Classification: Likely benign. Last evaluated: 2026-01-08. Review status: criteria provided, single submitter. Criteria: Invitae Variant Classification Sherloc (09022015). Collection method: clinical testing. Allele origin: germline.

NM_006734.4(HIVEP2):c.4144G>A (p.Ala1382Thr)

Gene: HIVEP2 (HIVEP zinc finger 2; minus strand). Cytogenetic location: 6q24.2.
Variant type: single nucleotide variant.
Coding change: c.4144G>A on transcript NM_006734.4 (MANE Select); coding-DNA position 4144, G replaced by A.
Protein change: p.Ala1382Thr; replaces alanine 1382 with threonine.
Molecular consequence: missense variant.
Genome position (GRCh38, 1-based): chr6:142,770,595, C>T on the plus strand (G>A on the coding strand, the complement: HIVEP2 is on the minus strand). VCF-style: chr6-142770595-C-T. GRCh37 (hg19) VCF-style: chr6-143091732-C-T.
Other names: short protein forms A1382T.
Identifiers: ClinVar variation 984855 (VCV000984855.5), dbSNP rs368520807, ClinGen allele CA4028123.